The following is an entry in ClinVar:

NC_000010.10:g.(?_55755389)_(55913073_?)del

Gene: PCDH15 (protocadherin related 15; minus strand). Cytogenetic location: 10q21.1.
Variant type: Deletion.
Identifiers: ClinVar variation 3245018 (VCV003245018.1).

ClinVar aggregate classification (germline): Pathogenic (1 of 4 stars; one submission).

Submission:

Labcorp Genetics (formerly Invitae), Labcorp
Classification: Pathogenic. Last evaluated: 2023-07-19. Review status: criteria provided, single submitter. Criteria: Invitae Variant Classification Sherloc (09022015). Collection method: clinical testing. Allele origin: unknown.
Comment: For these reasons, this variant has been classified as Pathogenic. This variant disrupts a region of the PCDH15 protein in which other variant(s) (Deletion of exons 19-21) have been determined to be pathogenic (PMID: 34416374). This suggests that this is a clinically significant region of the protein, and that variants that disrupt it are likely to be disease-causing. This variant has not been reported in the literature in individuals affected with PCDH15-related conditions. This variant is a gross deletion of the genomic region encompassing exon(s) 14-21 of the PCDH15 gene. This variant would be expected to be in-frame, preserving the integrity of the reading frame.

Literature cited by the submitters: PubMed 34416374.